The following is an entry in ClinVar:

ClinVar aggregate classification (germline): Likely benign. Review status: reviewed by expert panel (3 of 4 stars). 9 submissions from 9 submitters: Likely benign (1). 8 of the submissions do not count toward it. Last evaluated 2017-06-29.

Conditions:
Hereditary cancer-predisposing syndrome. Also called: Tumor predisposition; Hereditary Cancer Syndrome; Hereditary neoplastic syndrome; Neoplastic Syndromes, Hereditary. Identifiers: Orphanet 140162, MedGen C0027672, MeSH D009386, MONDO:0015356.
Hereditary breast ovarian cancer syndrome. Also called: Breast and ovarian cancer; BRCA1- and BRCA2-Associated Hereditary Breast and Ovarian Cancer; Hereditary breast and ovarian cancer; Hereditary breast and ovarian cancer syndrome (HBOC); Hereditary breast and ovarian cancer syndrome; Hereditary breast and/or ovarian cancer syndrome. Identifiers: Orphanet 145, MedGen C0677776, MeSH D061325, MONDO:0003582. Disease mechanism: loss of function.
Breast-ovarian cancer, familial, susceptibility to, 2 (BROVCA2). Also called: BRCA2 Hereditary Breast and Ovarian Cancer. Identifiers: Orphanet 145, MedGen C2675520, MONDO:0012933, OMIM 612555. Disease mechanism: loss of function.

Allele frequency attached by ClinVar (database versions not stated): gnomAD below 0.00001 and 0.00001; gnomAD exomes 0.00001 and 0.00003; ExAC 0.00007.
gnomAD v4.1: 23 of 1,614,044 alleles (0.0014%); highest among the groups gnomAD compares: South Asian, 0.023%; no homozygotes.

Submissions (9):

Evidence-based Network for the Interpretation of Germline Mutant Alleles (ENIGMA)
Classification: Likely benign for Breast-ovarian cancer, familial, susceptibility to, 2. Last evaluated: 2017-06-29. Review status: reviewed by expert panel. Criteria: ENIGMA BRCA1/2 Classification Criteria (2017-06-29). Collection method: curation. Allele origin: germline.
Comment: Synonymous substitution variant, with low bioinformatic likelihood to result in a splicing aberration (Splicing prior probability 0.02).

Labcorp Genetics (formerly Invitae), Labcorp
Classification: Likely benign for Hereditary breast ovarian cancer syndrome. Last evaluated: 2025-08-07. Review status: criteria provided, single submitter. Criteria: Invitae Variant Classification Sherloc (09022015). Collection method: clinical testing. Allele origin: germline. Not counted in ClinVar's aggregate classification.

All of Us Research Program, National Institutes of Health
Classification: Likely benign for Breast-ovarian cancer, familial, susceptibility to, 2. Last evaluated: 2024-02-05. Review status: criteria provided, single submitter. Criteria: ACMG Guidelines, 2015. Collection method: clinical testing. Allele origin: germline. Inheritance: Autosomal dominant inheritance. Observed: 2 variant alleles, 2 heterozygotes. Not counted in ClinVar's aggregate classification.
Comment: This study involves interpretation of variants in research participants for the purpose of population health screening. Participant phenotype was not available at the time of variant classification. Additional details can be found in publication PMID: 35346344, PMCID: PMC8962531

Blueprint Genetics
Classification: Likely benign. Last evaluated: 2024-01-09. Review status: criteria provided, single submitter. Criteria: ACMG Guidelines, 2015. Collection method: clinical testing. Allele origin: germline. Not counted in ClinVar's aggregate classification.

GeneDx
Classification: Likely benign. Last evaluated: 2020-02-09. Review status: criteria provided, single submitter. Criteria: GeneDx Variant Classification Process June 2021. Collection method: clinical testing. Allele origin: germline. Affected: yes. Not counted in ClinVar's aggregate classification.

Quest Diagnostics Nichols Institute San Juan Capistrano
Classification: Likely benign. Last evaluated: 2017-06-01. Review status: criteria provided, single submitter. Criteria: Quest Diagnostics criteria. Collection method: clinical testing. Allele origin: germline. Not counted in ClinVar's aggregate classification.

Color Diagnostics, LLC DBA Color Health
Classification: Likely benign for Hereditary cancer-predisposing syndrome. Last evaluated: 2017-04-24. Review status: criteria provided, single submitter. Criteria: ACMG Guidelines, 2015. Collection method: clinical testing. Allele origin: germline. Not counted in ClinVar's aggregate classification.

Ambry Genetics
Classification: Likely benign for Hereditary cancer-predisposing syndrome. Last evaluated: 2016-12-19. Review status: criteria provided, single submitter. Criteria: Ambry Variant Classification Scheme 2023. Collection method: clinical testing. Allele origin: germline. Not counted in ClinVar's aggregate classification.

Department of Pathology and Laboratory Medicine, Sinai Health System
Classification: Likely benign. Review status: no assertion criteria provided. Collection method: clinical testing. Allele origin: unknown. Affected: yes. Study: The Canadian Open Genetics Repository (COGR). Not counted in ClinVar's aggregate classification.
Comment: The BRCA2 p.Ala3121= variant was not identified in the literature nor was it identified in the COGR, Cosmic, LOVD 3.0, UMD-LSDB, BIC Database, ARUP Laboratories, or Zhejiang University databases. The variant was identified in dbSNP (ID: rs761305496) as "With Likely benign allele", and in ClinVar (classified as likely benign by ENIGMA, Ambry Genetics, Color Genomics, Quest Diagnostics Nichols Institute San Juan Capistrano). The variant was identified in control databases in 9 of 246118 chromosomes at a frequency of 0.00004 (Genome Aggregation Database Feb 27, 2017). The variant was observed in the South Asian population in 9 of 30778 chromosomes (freq: 0.0003), but not in the African, Other, Latino, European, Ashkenazi Jewish, East Asian, and Finnish populations. The p.Ala3121= variant is not expected to have clinical significance because it does not result in a change of amino acid and is not located in a known consensus splice site. In addition, in silico or computational prediction software programs (SpliceSiteFinder, MaxEntScan, NNSPLICE, GeneSplicer, HumanSpliceFinder) do not predict a difference in splicing. In summary, based on the above information the clinical significance of this variant cannot be determined with certainty at this time although we would lean towards a more benign role for this variant. This variant is classified as likely benign.

NM_000059.4(BRCA2):c.9363T>C (p.Ala3121=)

Gene: BRCA2 (BRCA2 DNA repair associated; plus strand). Cytogenetic location: 13q13.1.
Variant type: single nucleotide variant.
Coding change: c.9363T>C on transcript NM_000059.4 (MANE Select); coding-DNA position 9363, T replaced by C.
Protein change: p.Ala3121=; no amino-acid change (alanine 3121 retained).
Molecular consequence: synonymous variant.
Genome position (GRCh38, 1-based): chr13:32,394,795, T>C. VCF-style: chr13-32394795-T-C. GRCh37 (hg19) VCF-style: chr13-32968932-T-C.
Identifiers: ClinVar variation 427495 (VCV000427495.25), dbSNP rs761305496, ClinGen allele CA6941379.